The following is an entry in ClinVar:

NM_002335.4(LRP5):c.3886C>T (p.Pro1296Ser)

Gene: LRP5 (LDL receptor related protein 5; plus strand). Cytogenetic location: 11q13.2.
Variant type: single nucleotide variant.
Coding change: c.3886C>T on transcript NM_002335.4 (MANE Select); coding-DNA position 3886, C replaced by T.
Protein change: p.Pro1296Ser; replaces proline 1296 with serine.
Molecular consequence: missense variant.
Genome position (GRCh38, 1-based): chr11:68,433,724, C>T. VCF-style: chr11-68433724-C-T. GRCh37 (hg19) VCF-style: chr11-68201192-C-T.
Other names: c.2143C>T, p.Pro715Ser (NM_001291902.2); short protein forms P715S, P1296S.
Identifiers: ClinVar variation 4623901 (VCV004623901.2).

ClinVar aggregate classification (germline): Uncertain significance. Review status: criteria provided, multiple submitters, no conflicts (2 of 4 stars). 2 submissions from 2 submitters: Uncertain significance (2). Last evaluated 2025-11-19.

Conditions:
Inborn genetic diseases. Identifiers: MedGen C0950123, MeSH D030342.

Submissions (2):

Ambry Genetics
Classification: Uncertain significance for Inborn genetic diseases. Last evaluated: 2025-11-19. Review status: criteria provided, single submitter. Criteria: Ambry Variant Classification Scheme 2023. Collection method: clinical testing. Allele origin: germline.

Labcorp Genetics (formerly Invitae), Labcorp
Classification: Uncertain significance. Last evaluated: 2025-08-03. Review status: criteria provided, single submitter. Criteria: Invitae Variant Classification Sherloc (09022015). Collection method: clinical testing. Allele origin: germline.
Comment: This sequence change replaces proline, which is neutral and non-polar, with serine, which is neutral and polar, at codon 1296 of the LRP5 protein (p.Pro1296Ser). This variant is not present in population databases (gnomAD no frequency). This variant has not been reported in the literature in individuals affected with LRP5-related conditions. Invitae Evidence Modeling of protein sequence and biophysical properties (such as structural, functional, and spatial information, amino acid conservation, physicochemical variation, residue mobility, and thermodynamic stability) has been performed for this missense variant. However, the output from this modeling did not meet the statistical confidence thresholds required to predict the impact of this variant on LRP5 protein function. In summary, the available evidence is currently insufficient to determine the role of this variant in disease. Therefore, it has been classified as a Variant of Uncertain Significance.